The following is an entry in ClinVar:

NM_003803.4(MYOM1):c.3364G>C (p.Gly1122Arg)

Gene: MYOM1 (myomesin 1; minus strand). Cytogenetic location: 18p11.31.
Variant type: single nucleotide variant.
Coding change: c.3364G>C on transcript NM_003803.4 (MANE Select); coding-DNA position 3364, G replaced by C.
Protein change: p.Gly1122Arg; replaces glycine 1122 with arginine.
Molecular consequence: missense variant.
Genome position (GRCh38, 1-based): chr18:3,112,352, C>G on the plus strand (G>C on the coding strand, the complement: MYOM1 is on the minus strand). VCF-style: chr18-3112352-C-G. GRCh37 (hg19) VCF-style: chr18-3112350-C-G.
Other names: c.3076G>C, p.Gly1026Arg (NM_019856.2); short protein forms G1026R, G1122R.
Identifiers: ClinVar variation 2718234 (VCV002718234.3), dbSNP rs2510576228, ClinGen allele CA401704745.

ClinVar aggregate classification (germline): Uncertain significance (1 of 4 stars; one submission).

Conditions:
Hypertrophic cardiomyopathy. Also called: HYPERTROPHIC MYOCARDIOPATHY. Identifiers: Orphanet 217569, MedGen C0007194, MeSH D002312, MONDO:0005045, HP:0001639.

Submission:

Labcorp Genetics (formerly Invitae), Labcorp
Classification: Uncertain significance for Hypertrophic cardiomyopathy. Last evaluated: 2024-10-18. Review status: criteria provided, single submitter. Criteria: Invitae Variant Classification Sherloc (09022015). Collection method: clinical testing. Allele origin: germline.
Comment: This sequence change replaces glycine, which is neutral and non-polar, with arginine, which is basic and polar, at codon 1122 of the MYOM1 protein (p.Gly1122Arg). This variant is not present in population databases (gnomAD no frequency). This variant has not been reported in the literature in individuals affected with MYOM1-related conditions. Invitae Evidence Modeling of protein sequence and biophysical properties (such as structural, functional, and spatial information, amino acid conservation, physicochemical variation, residue mobility, and thermodynamic stability) indicates that this missense variant is expected to disrupt MYOM1 protein function with a positive predictive value of 80%. In summary, the available evidence is currently insufficient to determine the role of this variant in disease. Therefore, it has been classified as a Variant of Uncertain Significance.